The following is an entry in ClinVar:

NM_001166108.2(PALLD):c.584G>C (p.Gly195Ala)

Gene: PALLD (palladin, cytoskeletal associated protein; plus strand). Cytogenetic location: 4q32.3.
Variant type: single nucleotide variant.
Coding change: c.584G>C on transcript NM_001166108.2 (MANE Select); coding-DNA position 584, G replaced by C.
Protein change: p.Gly195Ala; replaces glycine 195 with alanine.
Molecular consequence: missense variant.
Genome position (GRCh38, 1-based): chr4:168,512,088, G>C. VCF-style: chr4-168512088-G-C. GRCh37 (hg19) VCF-style: chr4-169433239-G-C.
Other names: c.584G>C, p.Gly195Ala (NM_016081.4); short protein forms G195A.
Identifiers: ClinVar variation 2447424 (VCV002447424.2), dbSNP rs2531434207, ClinGen allele CA358726345.

ClinVar aggregate classification (germline): Uncertain significance (1 of 4 stars; one submission).

Allele frequency attached by ClinVar (database versions not stated): gnomAD exomes below 0.00001.
gnomAD v4.1: 1 of 1,614,174 alleles (0.000062%); highest among the groups gnomAD compares: Non-Finnish European, 0.000085%; no homozygotes.

Submission:

Ambry Genetics
Classification: Uncertain significance. Last evaluated: 2023-03-02. Review status: criteria provided, single submitter. Criteria: Ambry Variant Classification Scheme 2023. Collection method: clinical testing. Allele origin: germline.
Comment: The p.G195A variant (also known as c.584G>C), located in coding exon 1 of the PALLD gene, results from a G to C substitution at nucleotide position 584. The glycine at codon 195 is replaced by alanine, an amino acid with similar properties. This amino acid position is conserved. In addition, this alteration is predicted to be tolerated by in silico analysis. Since supporting evidence is limited at this time, the clinical significance of this alteration remains unclear.